The following is an entry in ClinVar:

NM_144670.6(A2ML1):c.2924T>C (p.Met975Thr)

Gene: A2ML1 (alpha-2-macroglobulin like 1; plus strand). Cytogenetic location: 12p13.31.
Variant type: single nucleotide variant.
Coding change: c.2924T>C on transcript NM_144670.6 (MANE Select); coding-DNA position 2924, T replaced by C.
Protein change: p.Met975Thr; replaces methionine 975 with threonine.
Molecular consequence: missense variant.
Genome position (GRCh38, 1-based): chr12:8,857,239, T>C. VCF-style: chr12-8857239-T-C. GRCh37 (hg19) VCF-style: chr12-9009835-T-C.
Other names: c.1451T>C, p.Met484Thr (NM_001282424.3); short protein forms M484T, M975T.
Identifiers: ClinVar variation 695701 (VCV000695701.14), dbSNP rs202179061, ClinGen allele CA6436205.

ClinVar aggregate classification (germline): Benign/Likely benign. Review status: criteria provided, multiple submitters, no conflicts (2 of 4 stars). 3 submissions from 3 submitters: Benign (1); Likely benign (2). Last evaluated 2026-01-19.

Conditions:
A2ML1-related disorder. Also called: A2ML1-related condition.

Allele frequency attached by ClinVar (database versions not stated): 1000 Genomes Project 30x 0.00016; 1000 Genomes Project 0.00020; gnomAD 0.00055 and 0.00056; gnomAD exomes 0.00058 and 0.00065; TOPMed 0.00058; ESP Exome Variant Server 0.00064; ExAC 0.00065.
gnomAD v4.1: 1,036 of 1,613,382 alleles (0.064%); highest among the groups gnomAD compares: Non-Finnish European, 0.079%; 1 homozygote.

Submissions (3):

Labcorp Genetics (formerly Invitae), Labcorp
Classification: Likely benign. Last evaluated: 2026-01-19. Review status: criteria provided, single submitter. Criteria: Invitae Variant Classification Sherloc (09022015). Collection method: clinical testing. Allele origin: germline.

PreventionGenetics, part of Exact Sciences
Classification: Likely benign for A2ML1-related condition. Last evaluated: 2024-10-25. Review status: criteria provided, single submitter. Criteria: ACMG Guidelines, 2015. Collection method: clinical testing. Allele origin: germline.
Comment: This variant is classified as likely benign based on ACMG/AMP sequence variant interpretation guidelines (Richards et al. 2015 PMID: 25741868, with internal and published modifications).

Women's Health and Genetics/Laboratory Corporation of America, LabCorp
Classification: Benign. Last evaluated: 2019-10-21. Review status: criteria provided, single submitter. Criteria: LabCorp Variant Classification Summary - May 2015. Collection method: clinical testing. Allele origin: germline.
Comment: Variant summary: A2ML1 c.2924T>C (p.Met975Thr) results in a non-conservative amino acid change located in the Alpha-macroglobulin-like, TED domain of the encoded protein sequence. Three of four in-silico tools predict a damaging effect of the variant on protein function. The variant allele was found at a frequency of 0.00058 in 249548 control chromosomes, predominantly at a frequency of 0.001 within the Non-Finnish European subpopulation in the gnomAD database. The observed variant frequency within Non-Finnish European control individuals in the gnomAD database is approximately 250 fold of the estimated maximal expected allele frequency for a pathogenic variant in A2ML1 causing Noonan Syndrome phenotype (4e-06), strongly suggesting that the variant is a benign polymorphism found primarily in populations of Non-Finnish European origin. To our knowledge, no occurrence of c.2924T>C in individuals affected with Noonan Syndrome and no experimental evidence demonstrating its impact on protein function have been reported. No clinical diagnostic laboratories have submitted clinical-significance assessments for this variant to ClinVar after 2014. Based on the evidence outlined above, the variant was classified as benign.